The following is an entry in ClinVar:

ClinVar aggregate classification (germline): Pathogenic (1 of 4 stars; one submission).

Conditions:
Early-infantile DEE. Also called: Ohtahara syndrome; Early infantile epileptic encephalopathy with suppression bursts; Early infantile epileptic encephalopathy. Identifiers: Orphanet 1934, MedGen C0393706, MONDO:0800491.

Submission:

Labcorp Genetics (formerly Invitae), Labcorp
Classification: Pathogenic for Early-infantile DEE. Last evaluated: 2020-09-25. Review status: criteria provided, single submitter. Criteria: Invitae Variant Classification Sherloc (09022015). Collection method: clinical testing. Allele origin: germline.
Comment: For these reasons, this variant has been classified as Pathogenic. Loss-of-function variants in KCNQ2 are known to be pathogenic (PMID: 14534157, 23692823, 27779742). This variant has not been reported in the literature in individuals with KCNQ2-related conditions. This variant is not present in population databases (ExAC no frequency). This sequence change creates a premature translational stop signal (p.Trp218*) in the KCNQ2 gene. It is expected to result in an absent or disrupted protein product.

Literature cited by the submitters: PubMed 14534157; PubMed 23692823; PubMed 27779742.

NM_172107.4(KCNQ2):c.653G>A (p.Trp218Ter)

Gene: KCNQ2 (potassium voltage-gated channel subfamily Q member 2; minus strand). Cytogenetic location: 20q13.33.
Variant type: single nucleotide variant.
Coding change: c.653G>A on transcript NM_172107.4 (MANE Select); coding-DNA position 653, G replaced by A.
Protein change: p.Trp218Ter; replaces tryptophan 218 with a stop codon.
Molecular consequence: nonsense.
Genome position (GRCh38, 1-based): chr20:63,444,696, C>T on the plus strand (G>A on the coding strand, the complement: KCNQ2 is on the minus strand). VCF-style: chr20-63444696-C-T. GRCh37 (hg19) VCF-style: chr20-62076049-C-T.
Other names: c.653G>A, p.Trp218Ter (NM_001382235.1, NM_004518.6, NM_172106.3 and 2 more transcripts); short protein forms W218*.
Identifiers: ClinVar variation 1072506 (VCV001072506.8), dbSNP rs2145774742, ClinGen allele CA409654713.